The following is an entry in ClinVar:

NM_000525.4(KCNJ11):c.*13C>T

Gene: KCNJ11 (potassium inwardly rectifying channel subfamily J member 11; minus strand). Cytogenetic location: 11p15.1.
Variant type: single nucleotide variant.
Coding change: c.*13C>T on transcript NM_000525.4 (MANE Select); 13 bases downstream of the stop codon, C replaced by T.
Molecular consequence: 3 prime UTR variant.
Genome position (GRCh38, 1-based): chr11:17,386,906, G>A on the plus strand (C>T on the coding strand, the complement: KCNJ11 is on the minus strand). VCF-style: chr11-17386906-G-A. GRCh37 (hg19) VCF-style: chr11-17408453-G-A.
Other names: c.*13C>T (NM_001166290.2, NM_001377296.1, NM_001377297.1).
Identifiers: ClinVar variation 3902469 (VCV003902469.1).

ClinVar aggregate classification (germline): Uncertain significance (1 of 4 stars; one submission).

Submission:

Women's Health and Genetics/Laboratory Corporation of America, LabCorp
Classification: Uncertain significance. Last evaluated: 2025-05-06. Review status: criteria provided, single submitter. Criteria: LabCorp Variant Classification Summary - May 2015. Collection method: clinical testing. Allele origin: germline.
Comment: Variant summary: KCNJ11 c.*13C>T is located in the untranslated mRNA region downstream of the termination codon. The variant allele was found at a frequency of 2e-05 in 245348 control chromosomes. The available data on variant occurrences in the general population are insufficient to allow any conclusion about variant significance. To our knowledge, no occurrence of c.*13C>T in individuals affected with KCNJ11-related conditions and no experimental evidence demonstrating its impact on protein function have been reported. No submitters have cited clinical-significance assessments for this variant to ClinVar. Based on the evidence outlined above, the variant was classified as uncertain significance.